The following is an entry in ClinVar:

ClinVar aggregate classification (germline): Likely benign. Review status: criteria provided, multiple submitters, no conflicts (2 of 4 stars). 2 submissions from 2 submitters: Likely benign (2). Last evaluated 2025-10-15.

Allele frequency attached by ClinVar (database versions not stated): gnomAD 0.00001; TOPMed 0.00001; ExAC 0.00004; gnomAD exomes 0.00005; ESP Exome Variant Server 0.00008.
gnomAD v4.1: 66 of 1,614,086 alleles (0.0041%); highest among the groups gnomAD compares: Middle Eastern, 0.016%; no homozygotes.

Submissions (2):

Labcorp Genetics (formerly Invitae), Labcorp
Classification: Likely benign. Last evaluated: 2025-10-15. Review status: criteria provided, single submitter. Criteria: Invitae Variant Classification Sherloc (09022015). Collection method: clinical testing. Allele origin: germline.

CeGaT Center for Human Genetics Tuebingen
Classification: Likely benign. Last evaluated: 2023-07-01. Review status: criteria provided, single submitter. Criteria: CeGaT Center For Human Genetics Tuebingen Variant Classification Criteria Version 2. Collection method: clinical testing. Allele origin: germline. Affected: yes. Observed: 1 variant allele.
Comment: TRAIP: BP4, BP7

NM_005879.3(TRAIP):c.864C>T (p.Val288=)

Gene: TRAIP (TRAF interacting protein; minus strand). Cytogenetic location: 3p21.31.
Variant type: single nucleotide variant.
Coding change: c.864C>T on transcript NM_005879.3 (MANE Select); coding-DNA position 864, C replaced by T.
Protein change: p.Val288=; no amino-acid change (valine 288 retained).
Molecular consequence: synonymous variant.
Genome position (GRCh38, 1-based): chr3:49,839,792, G>A on the plus strand (C>T on the coding strand, the complement: TRAIP is on the minus strand). VCF-style: chr3-49839792-G-A. GRCh37 (hg19) VCF-style: chr3-49877225-G-A.
Identifiers: ClinVar variation 2182266 (VCV002182266.28), dbSNP rs377353118, ClinGen allele CA2407681.